The following is an entry in ClinVar:

NM_025081.3(NYNRIN):c.3058G>T (p.Asp1020Tyr)

Gene: NYNRIN (NYN domain and retroviral integrase containing; plus strand). Cytogenetic location: 14q12.
Variant type: single nucleotide variant.
Coding change: c.3058G>T on transcript NM_025081.3 (MANE Select); coding-DNA position 3058, G replaced by T.
Protein change: p.Asp1020Tyr; replaces aspartic acid 1020 with tyrosine.
Molecular consequence: missense variant.
Genome position (GRCh38, 1-based): chr14:24,414,807, G>T. VCF-style: chr14-24414807-G-T. GRCh37 (hg19) VCF-style: chr14-24884013-G-T.
Other names: short protein forms D1020Y.
Identifiers: ClinVar variation 3639385 (VCV003639385.2).

ClinVar aggregate classification (germline): Uncertain significance (1 of 4 stars; one submission).

gnomAD v4.1: 18 of 1,613,768 alleles (0.0011%); highest among the groups gnomAD compares: Non-Finnish European, 0.0014%; no homozygotes.

Submission:

Labcorp Genetics (formerly Invitae), Labcorp
Classification: Uncertain significance. Last evaluated: 2024-04-03. Review status: criteria provided, single submitter. Criteria: Invitae Variant Classification Sherloc (09022015). Collection method: clinical testing. Allele origin: germline.
Comment: This sequence change replaces aspartic acid, which is acidic and polar, with tyrosine, which is neutral and polar, at codon 1020 of the NYNRIN protein (p.Asp1020Tyr). This variant is present in population databases (rs763821704, gnomAD 0.002%). This variant has not been reported in the literature in individuals affected with NYNRIN-related conditions. Experimental studies and prediction algorithms are not available or were not evaluated, and the functional significance of this variant is currently unknown. In summary, the available evidence is currently insufficient to determine the role of this variant in disease. Therefore, it has been classified as a Variant of Uncertain Significance.